The following is an entry in ClinVar:

ClinVar aggregate classification (germline): Uncertain significance (0 of 4 stars; one submission).

Conditions:
CCM2-related disorder. Also called: CCM2-related condition.

Allele frequency attached by ClinVar (database versions not stated): gnomAD 0.00001; gnomAD exomes 0.00001.

Submission:

PreventionGenetics, part of Exact Sciences
Classification: Uncertain significance for CCM2-related condition. Last evaluated: 2023-11-03. Review status: no assertion criteria provided. Collection method: clinical testing. Allele origin: germline.
Comment: The CCM2 c.418G>A variant is predicted to result in the amino acid substitution p.Ala140Thr. To our knowledge, this variant has not been reported in the literature or in a large population database, indicating this variant is rare. At this time, the clinical significance of this variant is uncertain due to the absence of conclusive functional and genetic evidence.

NM_031443.4(CCM2):c.418G>A (p.Ala140Thr)

Gene: CCM2 (CCM2 scaffold protein; plus strand). Cytogenetic location: 7p13.
Variant type: single nucleotide variant.
Coding change: c.418G>A on transcript NM_031443.4 (MANE Select); coding-DNA position 418, G replaced by A.
Protein change: p.Ala140Thr; replaces alanine 140 with threonine.
Molecular consequence: missense variant. On other transcripts: non-coding transcript variant (1).
Genome position (GRCh38, 1-based): chr7:45,064,592, G>A. VCF-style: chr7-45064592-G-A. GRCh37 (hg19) VCF-style: chr7-45104191-G-A.
Other names: c.481G>A, p.Ala161Thr (NM_001029835.2); c.244G>A, p.Ala82Thr (NM_001167934.2, NM_001363459.2); c.418G>A, p.Ala140Thr (NM_001167935.2, NM_001363458.2); short protein forms A140T, A161T, A82T.
Identifiers: ClinVar variation 3057999 (VCV003057999.2), dbSNP rs1798682183, ClinGen allele CA367430077.